The following is an entry in ClinVar:

Conditions:
Breast-ovarian cancer, familial, susceptibility to, 1 (BROVCA1). Also called: BRCA1 Hereditary Breast and Ovarian Cancer; OVARIAN CANCER, SUSCEPTIBILITY TO. Identifiers: Orphanet 145, MedGen C2676676, MONDO:0011450, OMIM 604370. Disease mechanism: loss of function.

Submission:

Brotman Baty Institute, University of Washington
No classification provided (evidence only). Condition: Breast-ovarian cancer, familial 1. Review status: no classification provided. Collection method: in vitro. Allele origin: not applicable. Functional consequence: functionally_normal.
ClinVar note: "not provided" was previously submitted as the classification for the variant. However, the classification appeared to be based only on an observation of functional data so it was converted to no classification on 2025-07-30.

NM_007294.4(BRCA1):c.268A>C (p.Ile90Leu)

Gene: BRCA1 (BRCA1 DNA repair associated; minus strand). Cytogenetic location: 17q21.31.
Variant type: single nucleotide variant.
Coding change: c.268A>C on transcript NM_007294.4 (MANE Select); coding-DNA position 268, A replaced by C.
Protein change: p.Ile90Leu; replaces isoleucine 90 with leucine.
Molecular consequence: missense variant. On other transcripts: non-coding transcript variant (1).
Genome position (GRCh38, 1-based): chr17:43,104,901, T>G on the plus strand (A>C on the coding strand, the complement: BRCA1 is on the minus strand). VCF-style: chr17-43104901-T-G. GRCh37 (hg19) VCF-style: chr17-41256918-T-G.
Other names: c.58A>C, p.Ile20Leu (NM_001407571.1, NM_001407853.1, NM_001407879.1 and 58 more transcripts); c.268A>C, p.Ile90Leu (NM_001407581.1, NM_001407582.1, NM_001407583.1 and 168 more transcripts); c.190A>C, p.Ile64Leu (NM_001407653.1, NM_001407654.1, NM_001407655.1 and 21 more transcripts); c.127A>C, p.Ile43Leu (NM_001407692.1, NM_001407694.1, NM_001407695.1 and 99 more transcripts); c.-114A>C (NM_001407959.1, NM_001407960.1, NM_001407962.1 and 4 more transcripts); c.136A>C, p.Ile46Leu (NM_001408451.1); short protein forms I90L, I43L, I64L, I46L, I20L.
Identifiers: ClinVar variation 865351 (VCV000865351.3), dbSNP rs1555596673, ClinGen allele CA10601620.
Genomic context (GRCh38, chr17:43,104,901, plus strand): 5'-GTCATTCTTGGGATATTCAACACTTACACTCCAAACCTGTGTCAAGCTGAAAAGCACAAA[T>G]GATTTTCAATAGCTCTTCAACAAGTTGACTAAATCTCGTACTTTCTTGTAGGCTCCTGAA-3'
Protein context (NP_009225.1, residues 80-100): SQLVEELLKI[Ile90Leu]CAFQLDTGLE